The following is an entry in ClinVar:

NM_006393.3(NEBL):c.2056G>A (p.Val686Ile)

Genes: NEBL (nebulette; minus strand), LOC126860875 (MED14-independent group 3 enhancer GRCh37_chr10:21105746-21106945; plus strand). Cytogenetic location: 10p12.31.
Variant type: single nucleotide variant.
Coding change: c.2056G>A on transcript NM_006393.3 (MANE Select); coding-DNA position 2056, G replaced by A.
Protein change: p.Val686Ile; replaces valine 686 with isoleucine.
Molecular consequence: missense variant. On other transcripts: intron variant (9).
Genome position (GRCh38, 1-based): chr10:20,817,692, C>T on the plus strand (G>A on the coding strand, the complement: NEBL is on the minus strand). VCF-style: chr10-20817692-C-T. GRCh37 (hg19) VCF-style: chr10-21106621-C-T.
Other names: c.250-4752G>A (NM_001377326.1, NM_001377327.1, NM_001377328.1); c.358-4752G>A (NM_213569.2, NM_001173484.2, NM_001377322.1); c.301-4752G>A (NM_001377324.1); c.292-4752G>A (NM_001377325.1); c.310-4752G>A (NM_001377323.1); short protein forms V686I.
Identifiers: ClinVar variation 3225563 (VCV003225563.1), dbSNP rs1169904603, ClinGen allele CA376094218.

ClinVar aggregate classification (germline): Uncertain significance (1 of 4 stars; one submission).

Allele frequency attached by ClinVar (database versions not stated): TOPMed below 0.00001; gnomAD 0.00001.
gnomAD v4.1: 2 of 1,608,112 alleles (0.00012%); highest among the groups gnomAD compares: African/African-American, 0.0027%; no homozygotes.

Submission:

Ambry Genetics
Classification: Uncertain significance. Last evaluated: 2024-02-18. Review status: criteria provided, single submitter. Criteria: Ambry Variant Classification Scheme 2023. Collection method: clinical testing. Allele origin: germline.
Comment: The p.V686I variant (also known as c.2056G>A) is located in coding exon 21 of the NEBL gene. The valine at codon 686 is replaced by isoleucine, an amino acid with highly similar properties. This change occurs in the first base pair of coding exon 21. This amino acid position is conserved. In addition, this alteration is predicted to be tolerated by in silico analysis. Based on the available evidence, the clinical significance of this alteration remains unclear.